The following is an entry in ClinVar:

ClinVar aggregate classification (germline): Likely pathogenic. Review status: reviewed by expert panel (3 of 4 stars). 3 submissions from 3 submitters: Likely pathogenic (1). 2 of the submissions do not count toward it. Last evaluated 2024-08-20.

Conditions:
Glanzmann thrombasthenia 2. Also called: BLEEDING DISORDER, PLATELET-TYPE, 23. Identifiers: MedGen C5543273, MONDO:0031009, OMIM 619267.
Glanzmann thrombasthenia. Also called: Thrombasthenia; Glanzmann's thrombasthenia; BLEEDING DISORDER, PLATELET-TYPE, 2; THROMBASTHENIA OF GLANZMANN AND NAEGELI; PLATELET GLYCOPROTEIN IIb-IIIa DEFICIENCY. Identifiers: Orphanet 849, MedGen C0040015, MONDO:0100326.

Allele frequency attached by ClinVar (database versions not stated): gnomAD exomes below 0.00001.
gnomAD v4.1: 1 of 1,614,228 alleles (0.000062%); highest among the groups gnomAD compares: Non-Finnish European, 0.000085%; no homozygotes.

Submissions (3):

ClinGen Platelet Disorders Variant Curation Expert Panel, ClinGen
Classification: Likely pathogenic for Glanzmann thrombasthenia. Last evaluated: 2024-08-20. Review status: reviewed by expert panel. Criteria: ClinGen Platelet ACMG Specifications v2-1. Collection method: curation. Allele origin: germline. Inheritance: Autosomal recessive inheritance.
Comment: The ITGB3 missense variant NM_000212.3:c.727G>C replaces the aspartic acid residue with a histidine residue (p.Asp243His). The highest population minor allele frequency in gnomAD v4.0 is 0.000002856 (1/350098 alleles) in the European (non-Finnish) population, which is lower than the ClinGen PD VCEP threshold (<0.0001; PM2_Supporting). This variant has been observed in homozygosity in three probands (PM3) suspected to have Glanzmann's thrombasthenia (GT) (GT-11 and GT-15 in PMID: 30792900; Case 19 in PMID: 32680510), as well as two affected family members of GT-15 (PP1_moderate). However sufficient information to confirm if the individuals' phenotypes (or the phenotype of any affected family member) were specific for GT was not provided. In silico tools predict the variant is damaging to protein function; REVEL score of 0.983 is above the >.0.7 threshold to support a deleterious effect (PP3). In summary, this variant meets criteria to be classified as likely pathogenic for GT. GT-specific criteria applied: PP1_moderate, PM3, PP3, PM2_supporting.

Genomic Medicine Center of Excellence, King Faisal Specialist Hospital and Research Centre
Classification: Pathogenic for Glanzmann thrombasthenia 2. Last evaluated: 2024-09-22. Review status: criteria provided, single submitter. Criteria: ACMG Guidelines, 2015. Collection method: clinical testing. Allele origin: germline. Not counted in ClinVar's aggregate classification.

Biochemical Molecular Genetic Laboratory, King Abdulaziz Medical City
Classification: Likely pathogenic for Glanzmann thrombasthenia 1. Last evaluated: 2019-09-26. Review status: no assertion criteria provided. Collection method: clinical testing. Allele origin: germline. Affected: yes. Not counted in ClinVar's aggregate classification.

NM_000212.3(ITGB3):c.727G>C (p.Asp243His)

Gene: ITGB3 (integrin subunit beta 3; plus strand). Cytogenetic location: 17q21.32.
Variant type: single nucleotide variant.
Coding change: c.727G>C on transcript NM_000212.3 (MANE Select); coding-DNA position 727, G replaced by C.
Protein change: p.Asp243His; replaces aspartic acid 243 with histidine.
Molecular consequence: missense variant.
Genome position (GRCh38, 1-based): chr17:47,286,372, G>C. VCF-style: chr17-47286372-G-C. GRCh37 (hg19) VCF-style: chr17-45363738-G-C.
Other names: short protein forms D243H.
Identifiers: ClinVar variation 800945 (VCV000800945.4), dbSNP rs1598690937, ClinGen allele CA400023600.